The following is an entry in ClinVar:

ClinVar aggregate classification (germline): Uncertain significance. Review status: criteria provided, multiple submitters, no conflicts (2 of 4 stars). 2 submissions from 2 submitters: Uncertain significance (2). Last evaluated 2024-01-03.

Conditions:
Inborn genetic diseases. Identifiers: MedGen C0950123, MeSH D030342.

Allele frequency attached by ClinVar (database versions not stated): gnomAD exomes 0.00001; ExAC 0.00002; TOPMed 0.00002; ESP Exome Variant Server 0.00008.
gnomAD v4.1: 17 of 1,607,816 alleles (0.0011%); highest among the groups gnomAD compares: Non-Finnish European, 0.00017%; no homozygotes.

Submissions (2):

Ambry Genetics
Classification: Uncertain significance for Inborn genetic diseases. Last evaluated: 2024-01-03. Review status: criteria provided, single submitter. Criteria: Ambry Variant Classification Scheme 2023. Collection method: clinical testing. Allele origin: germline.

Labcorp Genetics (formerly Invitae), Labcorp
Classification: Uncertain significance. Last evaluated: 2022-07-05. Review status: criteria provided, single submitter. Criteria: Invitae Variant Classification Sherloc (09022015). Collection method: clinical testing. Allele origin: germline.
Comment: In summary, the available evidence is currently insufficient to determine the role of this variant in disease. Therefore, it has been classified as a Variant of Uncertain Significance. Algorithms developed to predict the effect of missense changes on protein structure and function are either unavailable or do not agree on the potential impact of this missense change (SIFT: "Not Available"; PolyPhen-2: "Probably Damaging"; Align-GVGD: "Not Available"). This variant has not been reported in the literature in individuals affected with POLR1A-related conditions. This variant is present in population databases (rs371277805, gnomAD 0.06%). This sequence change replaces serine, which is neutral and polar, with threonine, which is neutral and polar, at codon 774 of the POLR1A protein (p.Ser774Thr).

NM_015425.6(POLR1A):c.2321G>C (p.Ser774Thr)

Gene: POLR1A (RNA polymerase I subunit A; minus strand). Cytogenetic location: 2p11.2.
Variant type: single nucleotide variant.
Coding change: c.2321G>C on transcript NM_015425.6 (MANE Select); coding-DNA position 2321, G replaced by C.
Protein change: p.Ser774Thr; replaces serine 774 with threonine.
Molecular consequence: missense variant.
Genome position (GRCh38, 1-based): chr2:86,052,888, C>G on the plus strand (G>C on the coding strand, the complement: POLR1A is on the minus strand). VCF-style: chr2-86052888-C-G. GRCh37 (hg19) VCF-style: chr2-86280011-C-G.
Other names: c.2321G>C (NM_015425.3); short protein forms S774T.
Identifiers: ClinVar variation 2180214 (VCV002180214.5), dbSNP rs371277805, ClinGen allele CA1746106.